The following is an entry in ClinVar:

ClinVar aggregate classification (germline): Uncertain significance. Review status: criteria provided, multiple submitters, no conflicts (2 of 4 stars). 2 submissions from 2 submitters: Uncertain significance (2). Last evaluated 2025-02-22.

Allele frequency attached by ClinVar (database versions not stated): gnomAD exomes 0.00002 and 0.00006; ExAC 0.00014.

Submissions (2):

GeneDx
Classification: Uncertain significance. Last evaluated: 2025-02-22. Review status: criteria provided, single submitter. Criteria: GeneDx Variant Classification Process June 2021. Collection method: clinical testing. Allele origin: germline. Affected: yes.
Comment: In silico analysis indicates that this missense variant does not alter protein structure/function; Has not been previously published as pathogenic or benign to our knowledge

Labcorp Genetics (formerly Invitae), Labcorp
Classification: Uncertain significance. Last evaluated: 2020-05-07. Review status: criteria provided, single submitter. Criteria: Invitae Variant Classification Sherloc (09022015). Collection method: clinical testing. Allele origin: germline.
Comment: While this variant is present in population databases (rs760052936), the frequency information is unreliable, as metrics indicate poor data quality at this position in the ExAC database. In summary, the available evidence is currently insufficient to determine the role of this variant in disease. Therefore, it has been classified as a Variant of Uncertain Significance. Algorithms developed to predict the effect of missense changes on protein structure and function are either unavailable or do not agree on the potential impact of this missense change (SIFT: "Deleterious"; PolyPhen-2: "Possibly Damaging"; Align-GVGD: "Class C0"). This variant has not been reported in the literature in individuals with CRB2-related conditions. This sequence change replaces arginine with cysteine at codon 1055 of the CRB2 protein (p.Arg1055Cys). The arginine residue is moderately conserved and there is a large physicochemical difference between arginine and cysteine.

NM_173689.7(CRB2):c.3163C>T (p.Arg1055Cys)

Gene: CRB2 (crumbs cell polarity complex component 2; plus strand). Cytogenetic location: 9q33.3.
Variant type: single nucleotide variant.
Coding change: c.3163C>T on transcript NM_173689.7 (MANE Select); coding-DNA position 3163, C replaced by T.
Protein change: p.Arg1055Cys; replaces arginine 1055 with cysteine.
Molecular consequence: missense variant. On other transcripts: non-coding transcript variant (1).
Genome position (GRCh38, 1-based): chr9:123,373,694, C>T. VCF-style: chr9-123373694-C-T. GRCh37 (hg19) VCF-style: chr9-126135973-C-T.
Other names: c.3163C>T (NM_173689.6); short protein forms R1055C.
Identifiers: ClinVar variation 1015902 (VCV001015902.9), dbSNP rs760052936, ClinGen allele CA5232371.